The following is an entry in ClinVar:

NM_007373.4(SHOC2):c.526T>A (p.Leu176Ile)

Gene: SHOC2 (SHOC2 leucine rich repeat scaffold protein; plus strand). Cytogenetic location: 10q25.2.
Variant type: single nucleotide variant.
Coding change: c.526T>A on transcript NM_007373.4 (MANE Select); coding-DNA position 526, T replaced by A.
Protein change: p.Leu176Ile; replaces leucine 176 with isoleucine.
Molecular consequence: missense variant.
Genome position (GRCh38, 1-based): chr10:110,964,884, T>A. VCF-style: chr10-110964884-T-A. GRCh37 (hg19) VCF-style: chr10-112724642-T-A.
Other names: c.526T>A, p.Leu176Ile (NM_001269039.3, NM_001324336.2, NM_001324337.2); short protein forms L176I.
Identifiers: ClinVar variation 1746510 (VCV001746510.5), dbSNP rs904557581, ClinGen allele CA378385834.
Genomic context (GRCh38, chr10:110,964,884, plus strand): 5'-AATTCACTTACCAGTTTGCCTGACTCTCTTGATAACTTGAAGAAGCTGCGGATGCTTGAT[T>A]TACGGCATAATAAACTGAGAGAAATTCCTTCAGTGGTGTATAGGCTGGATTCTCTCACCA-3'
Protein context (NP_031399.2, residues 166-186): DNLKKLRMLD[Leu176Ile]RHNKLREIPS

ClinVar aggregate classification (germline): Uncertain significance. Review status: criteria provided, multiple submitters, no conflicts (2 of 4 stars). 2 submissions from 2 submitters: Uncertain significance (2). Last evaluated 2025-10-13.

Conditions:
Cardiovascular phenotype. Identifiers: MedGen CN230736.
RASopathy. Also called: rasopathies; Noonan spectrum disorder. Identifiers: Orphanet 536391, MedGen C5555857, MONDO:0021060.

Allele frequency attached by ClinVar (database versions not stated): TOPMed below 0.00001.
gnomAD v4.1: 3 of 1,614,046 alleles (0.00019%); highest among the groups gnomAD compares: African/African-American, 0.004%; no homozygotes.

Submissions (2):

Labcorp Genetics (formerly Invitae), Labcorp
Classification: Uncertain significance for RASopathy. Last evaluated: 2025-10-13. Review status: criteria provided, single submitter. Criteria: Invitae Variant Classification Sherloc (09022015). Collection method: clinical testing. Allele origin: germline.
Comment: This sequence change replaces leucine, which is neutral and non-polar, with isoleucine, which is neutral and non-polar, at codon 176 of the SHOC2 protein (p.Leu176Ile). This variant is not present in population databases (gnomAD no frequency). This variant has not been reported in the literature in individuals affected with SHOC2-related conditions. ClinVar contains an entry for this variant (Variation ID: 1746510). Invitae Evidence Modeling of protein sequence and biophysical properties (such as structural, functional, and spatial information, amino acid conservation, physicochemical variation, residue mobility, and thermodynamic stability) indicates that this missense variant is not expected to disrupt SHOC2 protein function with a negative predictive value of 80%. In summary, the available evidence is currently insufficient to determine the role of this variant in disease. Therefore, it has been classified as a Variant of Uncertain Significance.

Ambry Genetics
Classification: Uncertain significance for Cardiovascular phenotype. Last evaluated: 2021-10-29. Review status: criteria provided, single submitter. Criteria: Ambry Variant Classification Scheme 2023. Collection method: clinical testing. Allele origin: germline.
Comment: The p.L176I variant (also known as c.526T>A), located in coding exon 1 of the SHOC2 gene, results from a T to A substitution at nucleotide position 526. The leucine at codon 176 is replaced by isoleucine, an amino acid with highly similar properties. This amino acid position is conserved. In addition, the in silico prediction for this alteration is inconclusive. Since supporting evidence is limited at this time, the clinical significance of this alteration remains unclear.